The following is an entry in ClinVar:

ClinVar aggregate classification (germline): Likely pathogenic (1 of 4 stars; one submission).

Submission:

GeneDx
Classification: Likely pathogenic. Last evaluated: 2023-12-15. Review status: criteria provided, single submitter. Criteria: GeneDx Variant Classification Process June 2021. Collection method: clinical testing. Allele origin: germline. Affected: yes.
Comment: Not observed at significant frequency in large population cohorts (gnomAD); Missense variants in this gene are a common cause of disease and they are underrepresented in the general population; In silico analysis supports that this missense variant does not alter protein structure/function; This variant is associated with the following publications: (PMID: Shahid2017[article], 23625373)

NM_001399.5(EDA):c.779T>G (p.Ile260Ser)

Gene: EDA (ectodysplasin A; plus strand). Cytogenetic location: Xq13.1.
Variant type: single nucleotide variant.
Coding change: c.779T>G on transcript NM_001399.5 (MANE Select); coding-DNA position 779, T replaced by G.
Protein change: p.Ile260Ser; replaces isoleucine 260 with serine.
Molecular consequence: missense variant.
Genome position (GRCh38, 1-based): chrX:70,030,506, T>G. VCF-style: chrX-70030506-T-G. GRCh37 (hg19) VCF-style: chrX-69250356-T-G.
Other names: c.779T>G, p.Ile260Ser (NM_001005609.2, NM_001005612.3); short protein forms I260S.
Identifiers: ClinVar variation 3340268 (VCV003340268.1).
Genomic context (GRCh38, chrX:70,030,506, plus strand): 5'-CTCTATCCTTCTCATCCTGCCAGCCAGCTGTGGTGCATCTACAGGGCCAAGGGTCAGCAA[T>G]TCAAGTCAAGAATGGTAAGAATCAAAATAGGCTCTCTCCCAAAGAGGAGCTTCTCCCCTG-3'
Protein context (NP_001390.1, residues 250-270): VVHLQGQGSA[Ile260Ser]QVKNDLSGGV